The following is an entry in ClinVar:

NM_007078.3(LDB3):c.1903G>A (p.Val635Ile)

Gene: LDB3 (LIM domain binding 3; plus strand). Cytogenetic location: 10q23.2.
Variant type: single nucleotide variant.
Coding change: c.1903G>A on transcript NM_007078.3 (MANE Select); coding-DNA position 1903, G replaced by A.
Protein change: p.Val635Ile; replaces valine 635 with isoleucine.
Molecular consequence: missense variant. On other transcripts: genic downstream transcript variant (1).
Genome position (GRCh38, 1-based): chr10:86,718,772, G>A. VCF-style: chr10-86718772-G-A. GRCh37 (hg19) VCF-style: chr10-88478529-G-A.
Other names: p.V635I:GTC>ATC; c.1573G>A, p.Val525Ile (NM_001080114.2); c.1918G>A, p.Val640Ile (NM_001171610.2); c.1714G>A, p.Val572Ile (NM_001368064.1, NM_001368065.1); c.1762G>A, p.Val588Ile (NM_001368066.1); c.*19398G>A (NM_001080116.1); short protein forms V635I, V525I, V572I, V588I, V640I.
Identifiers: ClinVar variation 36445 (VCV000036445.37), dbSNP rs45618633, ClinGen allele CA282597.

ClinVar aggregate classification (germline): Benign. Review status: criteria provided, multiple submitters, no conflicts (2 of 4 stars). 14 submissions from 14 submitters: Benign (9). 5 of the submissions do not count toward it. Last evaluated 2026-02-03.

Conditions:
Cardiovascular phenotype. Identifiers: MedGen CN230736.
Cardiomyopathy (CMYO). Also called: Cardiomyopathies. Identifiers: Orphanet 167848, MedGen C0878544, MONDO:0004994, HP:0001638. Inheritance: Various modes of inheritance.
Myofibrillar myopathy 4. Also called: Zaspopathy (type). Identifiers: Orphanet 98912, MedGen C4721886, MONDO:0012277, OMIM 609452.

Allele frequency attached by ClinVar (database versions not stated): 1000 Genomes Project 0.02676; 1000 Genomes Project 30x 0.02748; gnomAD 0.01846; ESP Exome Variant Server 0.02191; TOPMed 0.02109.
gnomAD v4.1: 6,982 of 1,614,098 alleles (0.43%); highest among the groups gnomAD compares: African/African-American, 6.6%; 187 homozygotes.

Submissions (14):

Labcorp Genetics (formerly Invitae), Labcorp
Classification: Benign for Myofibrillar myopathy 4. Last evaluated: 2026-02-03. Review status: criteria provided, single submitter. Criteria: Invitae Variant Classification Sherloc (09022015). Collection method: clinical testing. Allele origin: germline.

ARUP Laboratories, Molecular Genetics and Genomics, ARUP Laboratories
Classification: Benign. Last evaluated: 2025-07-08. Review status: criteria provided, single submitter. Criteria: ARUP Molecular Germline Variant Investigation Process 2024. Collection method: clinical testing. Allele origin: germline.

CHEO Genetics Diagnostic Laboratory, Children's Hospital of Eastern Ontario
Classification: Benign for Cardiomyopathy. Last evaluated: 2016-04-11. Review status: criteria provided, single submitter. Criteria: ACMG Guidelines, 2015. Collection method: clinical testing. Allele origin: germline. Study: Canadian Open Genetics Repository.

Ambry Genetics
Classification: Benign for Cardiovascular phenotype. Last evaluated: 2015-05-27. Review status: criteria provided, single submitter. Criteria: Ambry Variant Classification Scheme 2023. Collection method: clinical testing. Allele origin: germline.

Biesecker Lab/Clinical Genomics Section, National Institutes of Health
Classification: Benign. Last evaluated: 2013-06-24. Review status: criteria provided, single submitter. Criteria: Ng et al. (Circ Cardiovasc Genet. 2013). Collection method: research. Allele origin: unknown. Observed: 13 variant alleles. Study: ClinSeq.
Comment: The study set was not selected for affection status in relation to any cancer. Pathogenicity categories were based on literature curation. See Pubmed ID:23861362 for details.

Medical sequencing

GeneDx
Classification: Benign. Last evaluated: 2011-07-05. Review status: criteria provided, single submitter. Criteria: GeneDx Variant Classification (06012015). Collection method: clinical testing. Allele origin: germline. Affected: yes.
Comment: This variant is considered likely benign or benign based on one or more of the following criteria: it is a conservative change, it occurs at a poorly conserved position in the protein, it is predicted to be benign by multiple in silico algorithms, and/or has population frequency not consistent with disease.

Laboratory for Molecular Medicine, Mass General Brigham Personalized Medicine
Classification: Benign. Last evaluated: 2008-04-07. Review status: criteria provided, single submitter. Criteria: LMM Criteria. Collection method: clinical testing. Allele origin: germline. Observed: 63 variant alleles.

Breakthrough Genomics
Classification: Benign. Review status: criteria provided, single submitter. Criteria: ACMG Guidelines, 2015. Collection method: not provided. Allele origin: germline. Inheritance: Autosomal dominant inheritance. Affected: yes.

PreventionGenetics, part of Exact Sciences
Classification: Benign. Review status: criteria provided, single submitter. Criteria: ACMG Guidelines, 2015. Collection method: clinical testing. Allele origin: germline.

Women's Health and Genetics/Laboratory Corporation of America, LabCorp
Classification: Benign for Cardiomyopathy. Last evaluated: 2013-12-31. Review status: no assertion criteria provided. Collection method: clinical testing. Allele origin: germline. Not counted in ClinVar's aggregate classification.

Clinical Genetics DNA and cytogenetics Diagnostics Lab, Erasmus MC, Erasmus Medical Center
Classification: Benign. Review status: no assertion criteria provided. Collection method: clinical testing. Allele origin: germline. Affected: yes. Study: VKGL Data-share Consensus. Not counted in ClinVar's aggregate classification.

Clinical Genetics, Academic Medical Center
Classification: Benign. Review status: no assertion criteria provided. Collection method: clinical testing. Allele origin: germline. Affected: yes. Study: VKGL Data-share Consensus. Not counted in ClinVar's aggregate classification.

Genome Diagnostics Laboratory, University Medical Center Utrecht
Classification: Benign. Review status: no assertion criteria provided. Collection method: clinical testing. Allele origin: germline. Affected: yes. Study: VKGL Data-share Consensus. Not counted in ClinVar's aggregate classification.

Joint Genome Diagnostic Labs from Nijmegen and Maastricht, Radboudumc and MUMC+
Classification: Benign. Review status: no assertion criteria provided. Collection method: clinical testing. Allele origin: germline. Affected: yes. Study: VKGL Data-share Consensus. Not counted in ClinVar's aggregate classification.